The following is an entry in ClinVar:

NM_007194.4(CHEK2):c.1268G>C (p.Gly423Ala)

Gene: CHEK2 (checkpoint kinase 2; minus strand). Cytogenetic location: 22q12.1.
Variant type: single nucleotide variant.
Coding change: c.1268G>C on transcript NM_007194.4 (MANE Select); coding-DNA position 1268, G replaced by C.
Protein change: p.Gly423Ala; replaces glycine 423 with alanine.
Molecular consequence: missense variant.
Genome position (GRCh38, 1-based): chr22:28,695,234, C>G on the plus strand (G>C on the coding strand, the complement: CHEK2 is on the minus strand). VCF-style: chr22-28695234-C-G. GRCh37 (hg19) VCF-style: chr22-29091222-C-G.
Other names: c.1397G>C, p.Gly466Ala (NM_001005735.3); c.605G>C, p.Gly202Ala (NM_001257387.3); c.1067G>C, p.Gly356Ala (NM_001349956.3); c.1181G>C, p.Gly394Ala (NM_145862.3); short protein forms G202A, G356A, G394A, G423A, G466A.
Identifiers: ClinVar variation 2708238 (VCV002708238.3), dbSNP rs1064793300, ClinGen allele CA411096327.
Genomic context (GRCh38, chr22:28,695,234, plus strand): 5'-CCACTGGTGATCTGATCCTTCAGTGACACTTGAGTCCTATGCTCAGAGAAAGGTGGATAC[C>G]CACTAAGGCTTAATATTGGTAGAGAGAGAAAGGAAAAGAAATCAAGTGGCATTCTCAGTG-3'
Protein context (NP_009125.1, residues 413-433): LGVILFICLS[Gly423Ala]YPPFSEHRTQ

ClinVar aggregate classification (germline): Uncertain significance (1 of 4 stars; one submission).

Conditions:
Familial cancer of breast. Also called: hereditary breast carcinoma; Hereditary breast cancer; BREAST CANCER, FAMILIAL. Identifiers: Orphanet 227535, MedGen C0346153, MONDO:0016419, OMIM 114480. Disease mechanism: loss of function.

Submission:

Labcorp Genetics (formerly Invitae), Labcorp
Classification: Uncertain significance for Familial cancer of breast. Last evaluated: 2024-01-08. Review status: criteria provided, single submitter. Criteria: Invitae Variant Classification Sherloc (09022015). Collection method: clinical testing. Allele origin: germline.
Comment: This sequence change replaces glycine, which is neutral and non-polar, with alanine, which is neutral and non-polar, at codon 423 of the CHEK2 protein (p.Gly423Ala). This variant is not present in population databases (gnomAD no frequency). This variant has not been reported in the literature in individuals affected with CHEK2-related conditions. An algorithm developed to predict the effect of missense changes on protein structure and function (PolyPhen-2) suggests that this variant is likely to be disruptive. In summary, the available evidence is currently insufficient to determine the role of this variant in disease. Therefore, it has been classified as a Variant of Uncertain Significance.